The following is an entry in ClinVar:

NM_004655.4(AXIN2):c.700T>A (p.Trp234Arg)

Gene: AXIN2 (axin 2; minus strand). Cytogenetic location: 17q24.1.
Variant type: single nucleotide variant.
Coding change: c.700T>A on transcript NM_004655.4 (MANE Select); coding-DNA position 700, T replaced by A.
Protein change: p.Trp234Arg; replaces tryptophan 234 with arginine.
Molecular consequence: missense variant.
Genome position (GRCh38, 1-based): chr17:65,557,921, A>T on the plus strand (T>A on the coding strand, the complement: AXIN2 is on the minus strand). VCF-style: chr17-65557921-A-T. GRCh37 (hg19) VCF-style: chr17-63554039-A-T.
Other names: c.700T>A, p.Trp234Arg (NM_001363813.1); short protein forms W234R.
Identifiers: ClinVar variation 1019175 (VCV001019175.8), dbSNP rs2044294847, ClinGen allele CA400680458.
Genomic context (GRCh38, chr17:65,557,921, plus strand): 5'-TTTTGCTGGACAAGCCAACCACGGTTGGCGAAAGTTTGCACTTGAAGTCGGCACAAGTCC[A>T]CTCCTCTTCTTCATTCAAGGTGGGGAGATAGCCACACACGACCTTTAGGCTCCCGAGTCC-3'
Protein context (NP_004646.3, residues 224-244): YLPTLNEEEE[Trp234Arg]TCADFKCKLS

ClinVar aggregate classification (germline): Uncertain significance (1 of 4 stars; one submission).

Conditions:
Oligodontia-cancer predisposition syndrome. Also called: TOOTH AGENESIS-COLORECTAL CANCER SYNDROME. Identifiers: Orphanet 300576, MedGen C1837750, MONDO:0012075, OMIM 608615. Disease mechanism: loss of function.

Submission:

Labcorp Genetics (formerly Invitae), Labcorp
Classification: Uncertain significance for Oligodontia-cancer predisposition syndrome. Last evaluated: 2021-01-18. Review status: criteria provided, single submitter. Criteria: Invitae Variant Classification Sherloc (09022015). Collection method: clinical testing. Allele origin: germline.
Comment: In summary, the available evidence is currently insufficient to determine the role of this variant in disease. Therefore, it has been classified as a Variant of Uncertain Significance. Algorithms developed to predict the effect of missense changes on protein structure and function are either unavailable or do not agree on the potential impact of this missense change (SIFT: "Deleterious"; PolyPhen-2: "Probably Damaging"; Align-GVGD: "Class C15"). This variant has not been reported in the literature in individuals with AXIN2-related conditions. This variant is not present in population databases (ExAC no frequency). This sequence change replaces tryptophan with arginine at codon 234 of the AXIN2 protein (p.Trp234Arg). The tryptophan residue is highly conserved and there is a moderate physicochemical difference between tryptophan and arginine.